The following is an entry in ClinVar:

NM_001005361.3(DNM2):c.742A>G (p.Ile248Val)

Gene: DNM2 (dynamin 2; plus strand). Cytogenetic location: 19p13.2.
Variant type: single nucleotide variant.
Coding change: c.742A>G on transcript NM_001005361.3 (MANE Select); coding-DNA position 742, A replaced by G.
Protein change: p.Ile248Val; replaces isoleucine 248 with valine.
Molecular consequence: missense variant.
Genome position (GRCh38, 1-based): chr19:10,783,013, A>G. VCF-style: chr19-10783013-A-G. GRCh37 (hg19) VCF-style: chr19-10893689-A-G.
Other names: c.742A>G, p.Ile248Val (NM_001005360.3, NM_001005362.3, NM_001190716.2 and 1 more transcripts); short protein forms I248V.
Identifiers: ClinVar variation 1991202 (VCV001991202.9), dbSNP rs2071429877, ClinGen allele CA404045193.

ClinVar aggregate classification (germline): Uncertain significance. Review status: criteria provided, multiple submitters, no conflicts (2 of 4 stars). 4 submissions from 4 submitters: Uncertain significance (4). Last evaluated 2026-02-19.

Conditions:
Charcot-Marie-Tooth disease dominant intermediate B (CMTDIB). Also called: CHARCOT-MARIE-TOOTH NEUROPATHY, DOMINANT INTERMEDIATE B; Charcot-Marie-Tooth disease dominant intermediate 1; CMT DI1; Charcot-Marie-Tooth disease dominant intermediate I. Identifiers: Orphanet 100044, Orphanet 228179, MedGen C1847902, MONDO:0011674, OMIM 606482.
DNM2-related disorder. Also called: DNM2-related condition.
Inborn genetic diseases. Identifiers: MedGen C0950123, MeSH D030342.

Allele frequency attached by ClinVar (database versions not stated): gnomAD exomes below 0.00001; TOPMed 0.00002.
gnomAD v4.1: 2 of 1,614,174 alleles (0.00012%); highest among the groups gnomAD compares: Admixed American, 0.0033%; no homozygotes.

Submissions (4):

PreventionGenetics, part of Exact Sciences
Classification: Uncertain significance for DNM2-related condition. Last evaluated: 2026-02-19. Review status: criteria provided, single submitter. Criteria: ACMG Guidelines, 2015. Collection method: clinical testing. Allele origin: germline.
Comment: The DNM2 c.742A>G variant is predicted to result in the amino acid substitution p.Ile248Val. To our knowledge, this variant has not been reported in the literature or in a large population database (gnomAD), indicating this variant is rare. At this time, the clinical significance of this variant is uncertain due to the absence of conclusive functional and genetic evidence.

Ambry Genetics
Classification: Uncertain significance for Inborn genetic diseases. Last evaluated: 2025-12-02. Review status: criteria provided, single submitter. Criteria: Ambry Variant Classification Scheme 2023. Collection method: clinical testing. Allele origin: germline.

Labcorp Genetics (formerly Invitae), Labcorp
Classification: Uncertain significance for Charcot-Marie-Tooth disease dominant intermediate B. Last evaluated: 2024-10-19. Review status: criteria provided, single submitter. Criteria: Invitae Variant Classification Sherloc (09022015). Collection method: clinical testing. Allele origin: germline.
Comment: This sequence change replaces isoleucine, which is neutral and non-polar, with valine, which is neutral and non-polar, at codon 248 of the DNM2 protein (p.Ile248Val). This variant is not present in population databases (gnomAD no frequency). This variant has not been reported in the literature in individuals affected with DNM2-related conditions. ClinVar contains an entry for this variant (Variation ID: 1991202). Invitae Evidence Modeling of protein sequence and biophysical properties (such as structural, functional, and spatial information, amino acid conservation, physicochemical variation, residue mobility, and thermodynamic stability) has been performed for this missense variant. However, the output from this modeling did not meet the statistical confidence thresholds required to predict the impact of this variant on DNM2 protein function. In summary, the available evidence is currently insufficient to determine the role of this variant in disease. Therefore, it has been classified as a Variant of Uncertain Significance.

Revvity Omics, Revvity
Classification: Uncertain significance. Last evaluated: 2019-09-04. Review status: criteria provided, single submitter. Criteria: ACMG Guidelines, 2015. Collection method: clinical testing. Allele origin: germline.